The following is an entry in ClinVar:

NM_001005361.3(DNM2):c.32C>T (p.Pro11Leu)

Genes: DNM2 (dynamin 2; plus strand), LOC130063529 (ATAC-STARR-seq lymphoblastoid silent region 10090; plus strand). Cytogenetic location: 19p13.2.
Variant type: single nucleotide variant.
Coding change: c.32C>T on transcript NM_001005361.3 (MANE Select); coding-DNA position 32, C replaced by T.
Protein change: p.Pro11Leu; replaces proline 11 with leucine.
Molecular consequence: missense variant.
Genome position (GRCh38, 1-based): chr19:10,718,274, C>T. VCF-style: chr19-10718274-C-T. GRCh37 (hg19) VCF-style: chr19-10828950-C-T.
Other names: c.32C>T, p.Pro11Leu (NM_001005360.3, NM_001005362.3, NM_001190716.2 and 1 more transcripts); short protein forms P11L.
Identifiers: ClinVar variation 2500365 (VCV002500365.1), dbSNP rs2512931338, ClinGen allele CA404046450.

ClinVar aggregate classification (germline): Uncertain significance (1 of 4 stars; one submission).

Submission:

GeneDx
Classification: Uncertain significance. Last evaluated: 2023-04-12. Review status: criteria provided, single submitter. Criteria: GeneDx Variant Classification Process June 2021. Collection method: clinical testing. Allele origin: germline. Affected: yes.
Comment: Not observed at significant frequency in large population cohorts (gnomAD); Missense variants in this gene are often considered pathogenic (HGMD); In silico analysis supports that this missense variant has a deleterious effect on protein structure/function; Has not been previously published as pathogenic or benign to our knowledge; This variant is associated with the following publications: (PMID: 16227997)